The following is an entry in ClinVar:

ClinVar aggregate classification (germline): Uncertain significance (1 of 4 stars; one submission).

Allele frequency attached by ClinVar (database versions not stated): TOPMed below 0.00001; gnomAD 0.00001; gnomAD exomes 0.00001.
gnomAD v4.1: 11 of 1,613,480 alleles (0.00068%); highest among the groups gnomAD compares: Admixed American, 0.0033%; no homozygotes.

Submission:

Labcorp Genetics (formerly Invitae), Labcorp
Classification: Uncertain significance. Last evaluated: 2023-11-02. Review status: criteria provided, single submitter. Criteria: Invitae Variant Classification Sherloc (09022015). Collection method: clinical testing. Allele origin: germline.
Comment: This sequence change replaces glycine, which is neutral and non-polar, with valine, which is neutral and non-polar, at codon 26 of the TELO2 protein (p.Gly26Val). This variant is present in population databases (no rsID available, gnomAD 0.0008%). This variant has not been reported in the literature in individuals affected with TELO2-related conditions. Advanced modeling of protein sequence and biophysical properties (such as structural, functional, and spatial information, amino acid conservation, physicochemical variation, residue mobility, and thermodynamic stability) performed at Invitae indicates that this missense variant is not expected to disrupt TELO2 protein function with a negative predictive value of 80%. In summary, the available evidence is currently insufficient to determine the role of this variant in disease. Therefore, it has been classified as a Variant of Uncertain Significance.

NM_016111.4(TELO2):c.77G>T (p.Gly26Val)

Gene: TELO2 (telomere maintenance 2; plus strand). Cytogenetic location: 16p13.3.
Variant type: single nucleotide variant.
Coding change: c.77G>T on transcript NM_016111.4 (MANE Select); coding-DNA position 77, G replaced by T.
Protein change: p.Gly26Val; replaces glycine 26 with valine.
Molecular consequence: missense variant.
Genome position (GRCh38, 1-based): chr16:1,494,358, G>T. VCF-style: chr16-1494358-G-T. GRCh37 (hg19) VCF-style: chr16-1544359-G-T.
Other names: c.77G>T, p.Gly26Val (NM_001351846.2); short protein forms G26V.
Identifiers: ClinVar variation 2981385 (VCV002981385.1), dbSNP rs1254473297, ClinGen allele CA394205268.
Genomic context (GRCh38, chr16:1,494,358, plus strand): 5'-CAGAGGTTCGACTCGCCGTCCGGGAAGCCATTCATGCCCTCTCGTCTTCGGAGGATGGCG[G>T]CCACATCTTCTGCACCCTGGAGTCCCTGAAGCGGTATCTCGGTGAGATGGAGCCTCCAGC-3'
Protein context (NP_057195.2, residues 16-36): IHALSSSEDG[Gly26Val]HIFCTLESLK